The following is an entry in ClinVar:

NM_015021.3(ZNF292):c.3319C>T (p.Arg1107Ter)

Gene: ZNF292 (zinc finger protein 292; plus strand). Cytogenetic location: 6q14.3.
Variant type: single nucleotide variant.
Coding change: c.3319C>T on transcript NM_015021.3 (MANE Select); coding-DNA position 3319, C replaced by T.
Protein change: p.Arg1107Ter; replaces arginine 1107 with a stop codon.
Molecular consequence: nonsense.
Genome position (GRCh38, 1-based): chr6:87,256,948, C>T. VCF-style: chr6-87256948-C-T. GRCh37 (hg19) VCF-style: chr6-87966666-C-T.
Other names: c.3319C>T (NM_015021.1); c.2899C>T, p.Arg967Ter (NM_001351444.2); short protein forms R1107*, R967*.
Identifiers: ClinVar variation 1172644 (VCV001172644.3), dbSNP rs2127862686, ClinGen allele CA364921727.

ClinVar aggregate classification (germline): Pathogenic/Likely pathogenic. Review status: criteria provided, multiple submitters, no conflicts (2 of 4 stars). 3 submissions from 2 submitters: Pathogenic (1); Likely pathogenic (2). Last evaluated 2026-03-30.

Conditions:
Intellectual developmental disorder, autosomal dominant 64. Also called: MENTAL RETARDATION, AUTOSOMAL DOMINANT 64. Identifiers: MedGen C5543067, MONDO:0030934, OMIM 619188.
Inborn genetic diseases. Identifiers: MedGen C0950123, MeSH D030342.
Motor delay. Also called: Motor Developmental Delay; Motor retardation. Identifiers: MedGen C1854301, HP:0001270.

Submissions (3):

Ambry Genetics
Classification: Pathogenic for Inborn genetic diseases. Last evaluated: 2026-03-30. Review status: criteria provided, single submitter. Criteria: Ambry Variant Classification Scheme 2023. Collection method: clinical testing. Allele origin: germline.
Comment: The c.3319C>T (p.R1107*) alteration, located in exon 8 (coding exon 8) of the ZNF292 gene, consists of a C to T substitution at nucleotide position 3319. This changes the amino acid from a arginine (R) to a stop codon at amino acid position 1107. This variant is not expected to trigger nonsense-mediated mRNA decay, and impacts the last 59% of the protein. However, premature stop codons are typically deleterious in nature, the impacted region is critical for protein function, and a significant portion of the protein is affected (Ambry internal data). This variant was not reported in population-based cohorts in the Genome Aggregation Database (gnomAD). Based on the available evidence, this alteration is classified as pathogenic.

Equipe Genetique des Anomalies du Developpement, Université de Bourgogne
Classification: Likely pathogenic for Intellectual developmental disorder, autosomal dominant 64. Last evaluated: 2020-01-27. Review status: criteria provided, single submitter. Criteria: ACMG Guidelines, 2015. Collection method: research. Allele origin: de novo. Affected: yes.

Equipe Genetique des Anomalies du Developpement, Université de Bourgogne
Classification: Likely pathogenic for Motor delay. Review status: criteria provided, single submitter. Criteria: ACMG Guidelines, 2015. Collection method: clinical testing. Allele origin: de novo. Affected: yes.